The following is an entry in ClinVar:

ClinVar aggregate classification (germline): Uncertain significance (1 of 4 stars; one submission).

gnomAD v4.1: 1 of 1,614,146 alleles (0.000062%); highest among the groups gnomAD compares: Non-Finnish European, 0.000085%; no homozygotes.

Submission:

GeneDx
Classification: Uncertain significance. Last evaluated: 2025-04-06. Review status: criteria provided, single submitter. Criteria: GeneDx Variant Classification Process June 2021. Collection method: clinical testing. Allele origin: germline.
Comment: Not observed at significant frequency in large population cohorts (gnomAD); In silico analysis supports that this missense variant has a deleterious effect on protein structure/function; Has not been previously published as pathogenic or benign to our knowledge

NM_139318.5(KCNH5):c.2699C>T (p.Pro900Leu)

Gene: KCNH5 (potassium voltage-gated channel subfamily H member 5; minus strand). Cytogenetic location: 14q23.2.
Variant type: single nucleotide variant.
Coding change: c.2699C>T on transcript NM_139318.5 (MANE Select); coding-DNA position 2699, C replaced by T.
Protein change: p.Pro900Leu; replaces proline 900 with leucine.
Molecular consequence: missense variant. On other transcripts: 3 prime UTR variant (1).
Genome position (GRCh38, 1-based): chr14:62,707,776, G>A on the plus strand (C>T on the coding strand, the complement: KCNH5 is on the minus strand). VCF-style: chr14-62707776-G-A. GRCh37 (hg19) VCF-style: chr14-63174494-G-A.
Other names: c.*666C>T (NM_172375.3); short protein forms P900L.
Identifiers: ClinVar variation 3392967 (VCV003392967.2).
Genomic context (GRCh38, chr14:62,707,776, plus strand): 5'-TCCTCTTTGAGTTCGTGTTTGACTTCCTGCAGTGTGGTCTGTAAGGCCTGCTCGGGGATG[G>A]GATAAAAGGGGTGCTTGGCATCAGCCTGGATGGGACTGTGCTCTAGCGGACTTCGGGCCT-3'
Protein context (NP_647479.2, residues 890-910): IQADAKHPFY[Pro900Leu]IPEQALQTTL